The following is an entry in ClinVar:

NM_030962.4(SBF2):c.3734A>G (p.His1245Arg)

Gene: SBF2 (SET binding factor 2; minus strand). Cytogenetic location: 11p15.4.
Variant type: single nucleotide variant.
Coding change: c.3734A>G on transcript NM_030962.4 (MANE Select); coding-DNA position 3734, A replaced by G.
Protein change: p.His1245Arg; replaces histidine 1245 with arginine.
Molecular consequence: missense variant.
Genome position (GRCh38, 1-based): chr11:9,829,415, T>C on the plus strand (A>G on the coding strand, the complement: SBF2 is on the minus strand). VCF-style: chr11-9829415-T-C. GRCh37 (hg19) VCF-style: chr11-9850962-T-C.
Other names: c.3734A>G, p.His1245Arg (NM_001386339.1); c.3605A>G, p.His1202Arg (NM_001386342.1); short protein forms H1202R, H1245R.
Identifiers: ClinVar variation 1362241 (VCV001362241.7), dbSNP rs2133931756, ClinGen allele CA379645269.
Genomic context (GRCh38, chr11:9,829,415, plus strand): 5'-CCTGGAGATAGAGCAAAGGCTGGCCTGACAGTAAGAGTGCTGTTGCCTCTGAGTTTCTGA[T>C]GGACAGAAACAGCATTCAGTAAGGCTTGCAAGTATTTCTCTTGTTCTATGCTACTGGAAG-3'
Protein context (NP_112224.1, residues 1235-1255): LQALLNAVSV[His1245Arg]QKLRGNSTLT

ClinVar aggregate classification (germline): Uncertain significance (1 of 4 stars; one submission).

Conditions:
Charcot-Marie-Tooth disease type 4. Also called: Charcot-Marie-Tooth, Type 4; Charcot-Marie-Tooth disease, type IV. Identifiers: Orphanet 64749, MedGen C4082197, MONDO:0018995.

Submission:

Labcorp Genetics (formerly Invitae), Labcorp
Classification: Uncertain significance for Charcot-Marie-Tooth disease type 4. Last evaluated: 2021-08-03. Review status: criteria provided, single submitter. Criteria: Invitae Variant Classification Sherloc (09022015). Collection method: clinical testing. Allele origin: germline.
Comment: This variant has not been reported in the literature in individuals affected with SBF2-related conditions. This sequence change replaces histidine with arginine at codon 1245 of the SBF2 protein (p.His1245Arg). The histidine residue is moderately conserved and there is a small physicochemical difference between histidine and arginine. This variant is not present in population databases (ExAC no frequency). Algorithms developed to predict the effect of missense changes on protein structure and function (SIFT, PolyPhen-2, Align-GVGD) all suggest that this variant is likely to be tolerated. In summary, the available evidence is currently insufficient to determine the role of this variant in disease. Therefore, it has been classified as a Variant of Uncertain Significance.